The following is an entry in ClinVar:

ClinVar aggregate classification (germline): Likely benign. Review status: criteria provided, multiple submitters, no conflicts (2 of 4 stars). 2 submissions from 2 submitters: Likely benign (2). Last evaluated 2017-04-27.

Conditions:
Cataract 15 multiple types. Also called: CATARACT 15, LAMELLAR WITH SUTURAL OPACITIES. Identifiers: Orphanet 91492, MedGen C3809001, MONDO:0014110, OMIM 615274.

Allele frequency attached by ClinVar (database versions not stated): 1000 Genomes Project 0.01018; gnomAD 0.00829 and 0.00894; TOPMed 0.00917; 1000 Genomes Project 30x 0.01156.

Submissions (2):

Illumina Laboratory Services, Illumina
Classification: Likely benign for Cataract 15 multiple types. Last evaluated: 2017-04-27. Review status: criteria provided, single submitter. Criteria: ICSL Variant Classification Criteria 13 December 2019. Collection method: clinical testing. Allele origin: germline.
Comment: This variant was observed as part of a predisposition screen in an ostensibly healthy population. A literature search was performed for the gene, cDNA change, and amino acid change (where applicable). No publications were found based on this search. Allele frequency data from public databases allowed determination this variant is unlikely to cause disease. Therefore, this variant is classified as likely benign.

Breakthrough Genomics
Classification: Likely benign. Review status: criteria provided, single submitter. Criteria: ACMG Guidelines, 2015. Collection method: not provided. Allele origin: germline. Inheritance: Autosomal dominant inheritance. Affected: yes.

NM_012064.4(MIP):c.*774G>C

Gene: MIP (major intrinsic protein of lens fiber; minus strand). Cytogenetic location: 12q13.3.
Variant type: single nucleotide variant.
Coding change: c.*774G>C on transcript NM_012064.4 (MANE Select); 774 bases downstream of the stop codon, G replaced by C.
Molecular consequence: 3 prime UTR variant.
Genome position (GRCh38, 1-based): chr12:56,450,506, C>G on the plus strand (G>C on the coding strand, the complement: MIP is on the minus strand). VCF-style: chr12-56450506-C-G. GRCh37 (hg19) VCF-style: chr12-56844290-C-G.
Identifiers: ClinVar variation 309869 (VCV000309869.6), dbSNP rs66826398, ClinGen allele CA10633315.